The following is an entry in ClinVar:

NM_001292034.3(TAB2):c.1558del (p.Thr520fs)

Genes: TAB2 (TGF-beta activated kinase 1 (MAP3K7) binding protein 2; plus strand), LOC126859827 (BRD4-independent group 4 enhancer GRCh37_chr6:149699707-149700906; plus strand). Cytogenetic location: 6q25.1.
Variant type: Deletion.
Coding change: c.1558del on transcript NM_001292034.3 (MANE Select); coding-DNA position 1558, one base deleted (A; older notation c.1558delA).
Protein change: p.Thr520fs; shifts the reading frame from threonine 520.
Molecular consequence: frameshift variant.
Genome position (GRCh38, 1-based): chr6:149,379,473, A deleted; the last of 3 consecutive A bases (chr6:149,379,471-149,379,473); deleting any one gives the same sequence. VCF-style (leftmost placement, unchanged base first): chr6-149379470-GA-G. GRCh37 (hg19) VCF-style: chr6-149700606-GA-G.
Other names: c.1462del, p.Thr488fs (NM_001292035.3); c.1558del, p.Thr520fs (NM_001369506.1, NM_015093.6); short protein forms T488fs, T520fs.
Identifiers: ClinVar variation 2028984 (VCV002028984.4), dbSNP rs2483399424, ClinGen allele CA2580075191.

ClinVar aggregate classification (germline): Pathogenic (1 of 4 stars; one submission).

Submission:

Labcorp Genetics (formerly Invitae), Labcorp
Classification: Pathogenic. Last evaluated: 2022-09-04. Review status: criteria provided, single submitter. Criteria: Invitae Variant Classification Sherloc (09022015). Collection method: clinical testing. Allele origin: germline.
Comment: This sequence change creates a premature translational stop signal (p.Thr520Hisfs*4) in the TAB2 gene. It is expected to result in an absent or disrupted protein product. Loss-of-function variants in TAB2 are known to be pathogenic (PMID: 28386937, 31250519). This variant is not present in population databases (gnomAD no frequency). This variant has not been reported in the literature in individuals affected with TAB2-related conditions. For these reasons, this variant has been classified as Pathogenic.

Literature cited by the submitters: PubMed 28386937; PubMed 31250519.